The following is an entry in ClinVar:

NM_030662.4(MAP2K2):c.1189C>T (p.Arg397Cys)

Gene: MAP2K2 (mitogen-activated protein kinase kinase 2; minus strand). Cytogenetic location: 19p13.3.
Variant type: single nucleotide variant.
Coding change: c.1189C>T on transcript NM_030662.4 (MANE Select); coding-DNA position 1189, C replaced by T.
Protein change: p.Arg397Cys; replaces arginine 397 with cysteine.
Molecular consequence: missense variant.
Genome position (GRCh38, 1-based): chr19:4,090,612, G>A on the plus strand (C>T on the coding strand, the complement: MAP2K2 is on the minus strand). VCF-style: chr19-4090612-G-A. GRCh37 (hg19) VCF-style: chr19-4090610-G-A.
Other names: p.R397C:CGC>TGC; short protein forms R397C.
Identifiers: ClinVar variation 180910 (VCV000180910.27), dbSNP rs730880516, ClinGen allele CA296163.

ClinVar aggregate classification (germline): Conflicting classifications of pathogenicity. Review status: criteria provided, conflicting classifications (1 of 4 stars). 4 submissions from 4 submitters: Uncertain significance (3); Likely benign (1). Last evaluated 2025-02-23.

Conditions:
RASopathy. Also called: rasopathies; Noonan spectrum disorder. Identifiers: Orphanet 536391, MedGen C5555857, MONDO:0021060.

Allele frequency attached by ClinVar (database versions not stated): gnomAD exomes 0.00001 and 0.00002; TOPMed 0.00001.
gnomAD v4.1: 12 of 1,551,544 alleles (0.00077%); highest among the groups gnomAD compares: East Asian, 0.0049%; no homozygotes.

Submissions (4):

Labcorp Genetics (formerly Invitae), Labcorp
Classification: Uncertain significance for RASopathy. Last evaluated: 2025-02-23. Review status: criteria provided, single submitter. Criteria: Invitae Variant Classification Sherloc (09022015). Collection method: clinical testing. Allele origin: germline.
Comment: This sequence change replaces arginine, which is basic and polar, with cysteine, which is neutral and slightly polar, at codon 397 of the MAP2K2 protein (p.Arg397Cys). This variant is present in population databases (rs730880516, gnomAD 0.01%). This missense change has been observed in individual(s) with RASopathy (PMID: 35418823). ClinVar contains an entry for this variant (Variation ID: 180910). Invitae Evidence Modeling of protein sequence and biophysical properties (such as structural, functional, and spatial information, amino acid conservation, physicochemical variation, residue mobility, and thermodynamic stability) indicates that this missense variant is not expected to disrupt MAP2K2 protein function with a negative predictive value of 95%. In summary, the available evidence is currently insufficient to determine the role of this variant in disease. Therefore, it has been classified as a Variant of Uncertain Significance.

Blueprint Genetics
Classification: Uncertain significance. Last evaluated: 2024-11-06. Review status: criteria provided, single submitter. Criteria: ACMG Guidelines, 2015. Collection method: clinical testing. Allele origin: germline.

CeGaT Center for Human Genetics Tuebingen
Classification: Likely benign. Last evaluated: 2024-10-01. Review status: criteria provided, single submitter. Criteria: CeGaT Center For Human Genetics Tuebingen Variant Classification Criteria Version 2. Collection method: clinical testing. Allele origin: germline. Affected: yes. Observed: 1 variant allele.
Comment: MAP2K2: BP4

GeneDx
Classification: Uncertain significance. Last evaluated: 2024-06-03. Review status: criteria provided, single submitter. Criteria: GeneDx Variant Classification Process June 2021. Collection method: clinical testing. Allele origin: germline. Affected: yes.
Comment: Reported in a patient with a RASopathy who was also heterozygous for a variant in the KAT6B gene in the reported literature (PMID: 35418823); In silico analysis supports that this missense variant has a deleterious effect on protein structure/function; Missense variants in this gene are a common cause of disease and they are underrepresented in the general population; Located in the Versatile Docking Domain (PMID: 29493581); This variant is associated with the following publications: (PMID: 38737102, 29493581, 35418823)

Literature cited by the submitters: PubMed 35418823 (cited by Labcorp Genetics (formerly Invitae), Labcorp).